The following is an entry in ClinVar:

NM_002225.5(IVD):c.961-2A>T

Gene: IVD (isovaleryl-CoA dehydrogenase; plus strand). Cytogenetic location: 15q15.1.
Variant type: single nucleotide variant.
Coding change: c.961-2A>T on transcript NM_002225.5 (MANE Select); the canonical splice acceptor site of the intron before coding-DNA position 961, A replaced by T.
Molecular consequence: splice acceptor variant.
Genome position (GRCh38, 1-based): chr15:40,416,076, A>T. VCF-style: chr15-40416076-A-T. GRCh37 (hg19) VCF-style: chr15-40708275-A-T.
Other names: c.1048-2A>T (NM_001354600.3, NM_001354599.3); c.961-2A>T (NM_001354598.3, NM_001354601.3); c.913-2A>T (NM_001354597.3); c.871-2A>T (NM_001159508.3).
Identifiers: ClinVar variation 1066923 (VCV001066923.7), dbSNP rs1057517056, ClinGen allele CA391722621.

ClinVar aggregate classification (germline): Likely pathogenic (1 of 4 stars; one submission).

Conditions:
Isovaleryl-CoA dehydrogenase deficiency (IVA). Also called: ISOVALERIC ACID CoA DEHYDROGENASE DEFICIENCY; IVD DEFICIENCY; Classic Isovaleric Acidemia; Isovaleric acidemia. Identifiers: Orphanet 33, MedGen C0268575, MONDO:0009475, OMIM 243500.

Submission:

Labcorp Genetics (formerly Invitae), Labcorp
Classification: Likely pathogenic for Isovaleryl-CoA dehydrogenase deficiency. Last evaluated: 2021-04-28. Review status: criteria provided, single submitter. Criteria: Invitae Variant Classification Sherloc (09022015). Collection method: clinical testing. Allele origin: germline.
Comment: In summary, the currently available evidence indicates that the variant is pathogenic, but additional data are needed to prove that conclusively. Therefore, this variant has been classified as Likely Pathogenic. Donor and acceptor splice site variants typically lead to a loss of protein function (PMID: 16199547), and loss-of-function variants in IVD are known to be pathogenic (PMID: 16602101). Algorithms developed to predict the effect of sequence changes on RNA splicing suggest that this variant may disrupt the consensus splice site, but this prediction has not been confirmed by published transcriptional studies. This variant has not been reported in the literature in individuals with IVD-related conditions. This variant is not present in population databases (ExAC no frequency). This sequence change affects an acceptor splice site in intron 9 of the IVD gene. It is expected to disrupt RNA splicing and likely results in an absent or disrupted protein product.

Literature cited by the submitters: PubMed 16199547; PubMed 16602101.